The following is an entry in ClinVar:

ClinVar aggregate classification (germline): Likely pathogenic (1 of 4 stars; one submission).

Conditions:
Oculodentodigital dysplasia, autosomal recessive. Also called: OCULODENTOOSSEOUS DYSPLASIA, AUTOSOMAL RECESSIVE; ODDD, AUTOSOMAL RECESSIVE; ODOD, AUTOSOMAL RECESSIVE. Identifiers: Orphanet 2710, MedGen C2749477, MONDO:0009768, OMIM 257850.

Submission:

Labcorp Genetics (formerly Invitae), Labcorp
Classification: Likely pathogenic for Oculodentodigital dysplasia, autosomal recessive. Last evaluated: 2025-12-24. Review status: criteria provided, single submitter. Criteria: Invitae Variant Classification Sherloc (09022015). Collection method: clinical testing. Allele origin: germline.
Comment: This sequence change replaces arginine, which is basic and polar, with glycine, which is neutral and non-polar, at codon 148 of the GJA1 protein (p.Arg148Gly). This variant is not present in population databases (gnomAD no frequency). This missense change has been observed in individual(s) with clinical features of autosomal dominant oculodentodigital dysplasia (PMID: 19338053, 19808103; internal data). In at least one individual the variant was observed to be de novo. Invitae Evidence Modeling of protein sequence and biophysical properties (such as structural, functional, and spatial information, amino acid conservation, physicochemical variation, residue mobility, and thermodynamic stability) has been performed for this missense variant. However, the output from this modeling did not meet the statistical confidence thresholds required to predict the impact of this variant on GJA1 protein function. This variant disrupts the p.Arg148Gln amino acid residue in GJA1. Other variant(s) that disrupt this residue have been determined to be pathogenic (PMID: 14729836, 33080786, 35023121). This suggests that this residue is clinically significant, and that variants that disrupt this residue are likely to be disease-causing. In summary, the currently available evidence indicates that the variant is pathogenic, but additional data are needed to prove that conclusively. Therefore, this variant has been classified as Likely Pathogenic.

Literature cited by the submitters: PubMed 19338053; PubMed 19808103; PubMed 14729836; PubMed 33080786; PubMed 35023121.

NM_000165.5(GJA1):c.442C>G (p.Arg148Gly)

Gene: GJA1 (gap junction protein alpha 1; plus strand). Cytogenetic location: 6q22.31.
Variant type: single nucleotide variant.
Coding change: c.442C>G on transcript NM_000165.5 (MANE Select); coding-DNA position 442, C replaced by G.
Protein change: p.Arg148Gly; replaces arginine 148 with glycine.
Molecular consequence: missense variant.
Genome position (GRCh38, 1-based): chr6:121,447,289, C>G. VCF-style: chr6-121447289-C-G. GRCh37 (hg19) VCF-style: chr6-121768435-C-G.
Other names: short protein forms R148G.
Identifiers: ClinVar variation 4747540 (VCV004747540.1).